The following is an entry in ClinVar:

ClinVar aggregate classification (germline): Pathogenic (1 of 4 stars; one submission).

Conditions:
Hereditary cancer-predisposing syndrome. Also called: Neoplastic Syndromes, Hereditary; Tumor predisposition; Hereditary Cancer Syndrome; Hereditary neoplastic syndrome. Identifiers: Orphanet 140162, MedGen C0027672, MeSH D009386, MONDO:0015356.

Submission:

Ambry Genetics
Classification: Pathogenic for Hereditary cancer-predisposing syndrome. Last evaluated: 2025-06-23. Review status: criteria provided, single submitter. Criteria: Ambry Variant Classification Scheme 2023. Collection method: clinical testing. Allele origin: germline.
Comment: The c.245dupT pathogenic mutation, located in coding exon 3 of the ATM gene, results from a duplication of T at nucleotide position 245, causing a translational frameshift with a predicted alternate stop codon (p.S83Ifs*17). This variant is considered to be rare based on population cohorts in the Genome Aggregation Database (gnomAD). This alteration is expected to result in loss of function by premature protein truncation or nonsense-mediated mRNA decay. As such, this alteration is interpreted as a disease-causing mutation.

NM_000051.4(ATM):c.245dup (p.Ser83fs)

Gene: ATM (ATM serine/threonine kinase; plus strand). Cytogenetic location: 11q22.3.
Variant type: Duplication.
Coding change: c.245dup on transcript NM_000051.4 (MANE Select); coding-DNA position 245, one base duplicated (T; older notation c.245dupT).
Protein change: p.Ser83fs; shifts the reading frame from serine 83.
Molecular consequence: frameshift variant.
Genome position (GRCh38, 1-based): chr11:108,229,237, T duplicated. VCF-style (leftmost placement, unchanged base first): chr11-108229236-G-GT. GRCh37 (hg19) VCF-style: chr11-108099963-G-GT.
Other names: c.245dup, p.Ser83fs (NM_001351834.2, NM_001351835.2, NM_001351836.2); c.245dupT (NM_000051.3); short protein forms S83fs.
Identifiers: ClinVar variation 4168523 (VCV004168523.1).